The following is an entry in ClinVar:

NM_002968.3(SALL1):c.2929G>A (p.Ala977Thr)

Gene: SALL1 (spalt like transcription factor 1; minus strand). Cytogenetic location: 16q12.1.
Variant type: single nucleotide variant.
Coding change: c.2929G>A on transcript NM_002968.3 (MANE Select); coding-DNA position 2929, G replaced by A.
Protein change: p.Ala977Thr; replaces alanine 977 with threonine.
Molecular consequence: missense variant.
Genome position (GRCh38, 1-based): chr16:51,139,293, C>T on the plus strand (G>A on the coding strand, the complement: SALL1 is on the minus strand). VCF-style: chr16-51139293-C-T. GRCh37 (hg19) VCF-style: chr16-51173204-C-T.
Other names: c.2638G>A, p.Ala880Thr (NM_001127892.2); short protein forms A977T, A880T.
Identifiers: ClinVar variation 2714886 (VCV002714886.5), dbSNP rs752206117, ClinGen allele CA8053013.

ClinVar aggregate classification (germline): Conflicting classifications of pathogenicity. Review status: criteria provided, conflicting classifications (1 of 4 stars). 3 submissions from 3 submitters: Uncertain significance (2); Likely benign (1). Last evaluated 2024-12-24.

Conditions:
Inborn genetic diseases. Identifiers: MedGen C0950123, MeSH D030342.
Townes syndrome (TBS). Also called: Townes-Brocks syndrome. Identifiers: Orphanet 857, MedGen C0265246, MeSH C536974, MONDO:0007142.

Allele frequency attached by ClinVar (database versions not stated): ExAC 0.00002; gnomAD 0.00003; 1000 Genomes Project 30x 0.00016.
gnomAD v4.1: 22 of 1,614,138 alleles (0.0014%); highest among the groups gnomAD compares: African/African-American, 0.0027%; no homozygotes.

Submissions (3):

Ambry Genetics
Classification: Likely benign for Inborn genetic diseases. Last evaluated: 2024-12-24. Review status: criteria provided, single submitter. Criteria: Ambry Variant Classification Scheme 2023. Collection method: clinical testing. Allele origin: germline.

GeneDx
Classification: Uncertain significance. Last evaluated: 2024-05-24. Review status: criteria provided, single submitter. Criteria: GeneDx Variant Classification Process June 2021. Collection method: clinical testing. Allele origin: germline. Affected: yes.
Comment: In silico analysis indicates that this missense variant does not alter protein structure/function; Has not been previously published as pathogenic or benign to our knowledge

Labcorp Genetics (formerly Invitae), Labcorp
Classification: Uncertain significance for Townes syndrome. Last evaluated: 2023-09-28. Review status: criteria provided, single submitter. Criteria: Invitae Variant Classification Sherloc (09022015). Collection method: clinical testing. Allele origin: germline.
Comment: This sequence change replaces alanine, which is neutral and non-polar, with threonine, which is neutral and polar, at codon 977 of the SALL1 protein (p.Ala977Thr). The frequency data for this variant in the population databases is considered unreliable, as metrics indicate poor data quality at this position in the gnomAD database. This variant has not been reported in the literature in individuals affected with SALL1-related conditions. Advanced modeling of protein sequence and biophysical properties (such as structural, functional, and spatial information, amino acid conservation, physicochemical variation, residue mobility, and thermodynamic stability) performed at Invitae indicates that this missense variant is not expected to disrupt SALL1 protein function. In summary, the available evidence is currently insufficient to determine the role of this variant in disease. Therefore, it has been classified as a Variant of Uncertain Significance.